The following is an entry in ClinVar:

NM_145207.3(AFG2A):c.1458A>G (p.Ser486=)

Gene: AFG2A (AAA ATPase AFG2A; plus strand). Cytogenetic location: 4q28.1.
Variant type: single nucleotide variant.
Coding change: c.1458A>G on transcript NM_145207.3 (MANE Select); coding-DNA position 1458, A replaced by G.
Protein change: p.Ser486=; no amino-acid change (serine 486 retained).
Molecular consequence: synonymous variant.
Genome position (GRCh38, 1-based): chr4:122,938,249, A>G. VCF-style: chr4-122938249-A-G. GRCh37 (hg19) VCF-style: chr4-123859404-A-G.
Other names: c.1455A>G, p.Ser485= (NM_001317799.2, NM_001345856.2).
Identifiers: ClinVar variation 1984866 (VCV001984866.3), dbSNP rs1729208175, ClinGen allele CA441204356.

ClinVar aggregate classification (germline): Uncertain significance (1 of 4 stars; one submission).

Conditions:
Microcephaly-intellectual disability-sensorineural hearing loss-epilepsy-abnormal muscle tone syndrome (NEDHSB). Also called: NEURODEVELOPMENTAL DISORDER WITH HEARING LOSS, SEIZURES, AND BRAIN ABNORMALITIES. Identifiers: Orphanet 457351, MedGen C4225276, MONDO:0014698, OMIM 616577.

Allele frequency attached by ClinVar (database versions not stated): gnomAD exomes below 0.00001.
gnomAD v4.1: 1 of 1,594,370 alleles (0.000063%); highest among the groups gnomAD compares: African/African-American, 0.0013%; no homozygotes.

Submission:

Labcorp Genetics (formerly Invitae), Labcorp
Classification: Uncertain significance for Microcephaly-intellectual disability-sensorineural hearing loss-epilepsy-abnormal muscle tone syndrome. Last evaluated: 2022-07-19. Review status: criteria provided, single submitter. Criteria: Invitae Variant Classification Sherloc (09022015). Collection method: clinical testing. Allele origin: germline.
Comment: This variant is not present in population databases (gnomAD no frequency). This sequence change affects codon 486 of the SPATA5 mRNA. It is a 'silent' change, meaning that it does not change the encoded amino acid sequence of the SPATA5 protein. It affects a nucleotide within the consensus splice site. Algorithms developed to predict the effect of sequence changes on RNA splicing suggest that this variant is not likely to affect RNA splicing. In summary, the available evidence is currently insufficient to determine the role of this variant in disease. Therefore, it has been classified as a Variant of Uncertain Significance. This variant has not been reported in the literature in individuals affected with SPATA5-related conditions.